The following is an entry in ClinVar:

NM_000095.3(COMP):c.412C>G (p.Pro138Ala)

Gene: COMP (cartilage oligomeric matrix protein; minus strand). Cytogenetic location: 19p13.11.
Variant type: single nucleotide variant.
Coding change: c.412C>G on transcript NM_000095.3 (MANE Select); coding-DNA position 412, C replaced by G.
Protein change: p.Pro138Ala; replaces proline 138 with alanine.
Molecular consequence: missense variant.
Genome position (GRCh38, 1-based): chr19:18,789,276, G>C on the plus strand (C>G on the coding strand, the complement: COMP is on the minus strand). VCF-style: chr19-18789276-G-C. GRCh37 (hg19) VCF-style: chr19-18900085-G-C.
Other names: c.412C>G (NM_000095.2); short protein forms P138A.
Identifiers: ClinVar variation 1530956 (VCV001530956.8), dbSNP rs763966726, ClinGen allele CA9316727.
Genomic context (GRCh38, chr19:18,789,276, plus strand): 5'-ACCCCGGCGGGCAAGCCTCGCAGCGGAACCCCGGGCTGGTGTTGATACAGCGGACTCGGG[G>C]GAAGCAGGGGTGGGCGTTGCACTGGGGGAGGAGGGGCCACAGAGGGTCAGAGGGCTTCGA-3'
Protein context (NP_000086.2, residues 128-148): VNECNAHPCF[Pro138Ala]RVRCINTSPG

ClinVar aggregate classification (germline): Conflicting classifications of pathogenicity. Review status: criteria provided, conflicting classifications (1 of 4 stars). 2 submissions from 2 submitters: Uncertain significance (1); Benign (1). Last evaluated 2026-01-26.

Allele frequency attached by ClinVar (database versions not stated): gnomAD exomes 0.00003 and 0.00011; ExAC 0.00028.

Submissions (2):

Labcorp Genetics (formerly Invitae), Labcorp
Classification: Benign. Last evaluated: 2026-01-26. Review status: criteria provided, single submitter. Criteria: Invitae Variant Classification Sherloc (09022015). Collection method: clinical testing. Allele origin: germline.

GeneDx
Classification: Uncertain significance. Last evaluated: 2023-04-14. Review status: criteria provided, single submitter. Criteria: GeneDx Variant Classification Process June 2021. Collection method: clinical testing. Allele origin: germline. Affected: yes.
Comment: In silico analysis supports that this missense variant has a deleterious effect on protein structure/function; Has not been previously published as pathogenic or benign to our knowledge